The following is an entry in ClinVar:

ClinVar aggregate classification (germline): Benign. Review status: criteria provided, single submitter (1 of 4 stars). 2 submissions from 2 submitters: Benign (1). 1 of the submissions does not count toward it. Last evaluated 2025-08-20.

Conditions:
ADAMTSL4-related disorder. Also called: ADAMTSL4-related condition; ADAMTSL4-Related Disorders.

Allele frequency attached by ClinVar (database versions not stated): ExAC 0.00040; gnomAD below 0.00001 and 0.00010; 1000 Genomes Project 0.00020; gnomAD exomes 0.00032; 1000 Genomes Project 30x 0.00062.
gnomAD v4.1: 239 of 1,604,410 alleles (0.015%); highest among the groups gnomAD compares: South Asian, 0.25%; 1 homozygote.

Submissions (2):

Labcorp Genetics (formerly Invitae), Labcorp
Classification: Benign. Last evaluated: 2025-08-20. Review status: criteria provided, single submitter. Criteria: Invitae Variant Classification Sherloc (09022015). Collection method: clinical testing. Allele origin: germline.

PreventionGenetics, part of Exact Sciences
Classification: Likely benign for ADAMTSL4-related condition. Last evaluated: 2024-08-14. Review status: no assertion criteria provided. Collection method: clinical testing. Allele origin: germline. Not counted in ClinVar's aggregate classification.
Comment: This variant is classified as likely benign based on ACMG/AMP sequence variant interpretation guidelines (Richards et al. 2015 PMID: 25741868, with internal and published modifications).

NM_019032.6(ADAMTSL4):c.2178-7C>A

Gene: ADAMTSL4 (ADAMTS like 4; plus strand). Cytogenetic location: 1q21.2.
Variant type: single nucleotide variant.
Coding change: c.2178-7C>A on transcript NM_019032.6 (MANE Select); 7 bases into the intron before coding-DNA position 2178, C replaced by A.
Molecular consequence: intron variant.
Genome position (GRCh38, 1-based): chr1:150,557,938, C>A. VCF-style: chr1-150557938-C-A. GRCh37 (hg19) VCF-style: chr1-150530414-C-A.
Other names: c.2178-7C>A (NM_019032.5, NM_001378596.1, NM_025008.5); c.2247-7C>A (NM_001288608.2); c.2061-7C>A (NM_001288607.2).
Identifiers: ClinVar variation 292546 (VCV000292546.10), dbSNP rs587746986, ClinGen allele CA1078575.